The following is an entry in ClinVar:

ClinVar aggregate classification (germline): Uncertain significance. Review status: criteria provided, multiple submitters, no conflicts (2 of 4 stars). 3 submissions from 3 submitters: Uncertain significance (3). Last evaluated 2025-12-22.

Conditions:
Cardiovascular phenotype. Identifiers: MedGen CN230736.
Progressive familial heart block type IB (PFHB1B). Identifiers: Orphanet 871, MedGen C1970298, MONDO:0011474, OMIM 604559.

Allele frequency attached by ClinVar (database versions not stated): TOPMed below 0.00001; gnomAD 0.00002; gnomAD exomes 0.00003 and 0.00007; ExAC 0.00011.
gnomAD v4.1: 55 of 1,607,190 alleles (0.0034%); highest among the groups gnomAD compares: South Asian, 0.047%; no homozygotes.

Submissions (3):

Labcorp Genetics (formerly Invitae), Labcorp
Classification: Uncertain significance for Progressive familial heart block type IB. Last evaluated: 2025-12-22. Review status: criteria provided, single submitter. Criteria: Invitae Variant Classification Sherloc (09022015). Collection method: clinical testing. Allele origin: germline.
Comment: This sequence change replaces aspartic acid, which is acidic and polar, with asparagine, which is neutral and polar, at codon 62 of the TRPM4 protein (p.Asp62Asn). This variant is present in population databases (rs747048335, gnomAD 0.05%), and has an allele count higher than expected for a pathogenic variant. This variant has not been reported in the literature in individuals affected with TRPM4-related conditions. ClinVar contains an entry for this variant (Variation ID: 1390832). An algorithm developed to predict the effect of missense changes on protein structure and function outputs the following: PolyPhen-2: "Benign". The asparagine amino acid residue is found in multiple mammalian species, which suggests that this missense change does not adversely affect protein function. In summary, the available evidence is currently insufficient to determine the role of this variant in disease. Therefore, it has been classified as a Variant of Uncertain Significance.

Ambry Genetics
Classification: Uncertain significance for Cardiovascular phenotype. Last evaluated: 2025-01-09. Review status: criteria provided, single submitter. Criteria: Ambry Variant Classification Scheme 2023. Collection method: clinical testing. Allele origin: germline.

Neuberg Centre For Genomic Medicine, NCGM
Classification: Uncertain significance for Progressive familial heart block type IB. Review status: criteria provided, single submitter. Criteria: ACMG Guidelines, 2015. Collection method: clinical testing. Allele origin: germline. Inheritance: Autosomal dominant inheritance. Affected: yes.
Comment: The missense variant c.184G>A (p.Asp62Asn) in TRPM4 gene has not been reported previously as a pathogenic variant nor as a benign variant, to our knowledge. The p.Asp62Asn variant is novel (not in any individuals) in 1000 Genomes and allele frequency of 0.007205% is reported in gnomAD. The amino acid Asp at position 62 is changed to a Asn changing protein sequence and it might alter its composition and physico-chemical properties. In silico tools predict the variant to be tolerated. The residue is conserved across species. The amino acid change p.Asp62Asn in TRPM4 is predicted as conserved by GERP++ and PhyloP across 100 vertebrates. For these reasons, this variant has been classified as Uncertain Significance.

NM_017636.4(TRPM4):c.184G>A (p.Asp62Asn)

Gene: TRPM4 (transient receptor potential cation channel subfamily M member 4; plus strand). Cytogenetic location: 19q13.33.
Variant type: single nucleotide variant.
Coding change: c.184G>A on transcript NM_017636.4 (MANE Select); coding-DNA position 184, G replaced by A.
Protein change: p.Asp62Asn; replaces aspartic acid 62 with asparagine.
Molecular consequence: missense variant. On other transcripts: 5 prime UTR variant (1), intron variant (2).
Genome position (GRCh38, 1-based): chr19:49,166,132, G>A. VCF-style: chr19-49166132-G-A. GRCh37 (hg19) VCF-style: chr19-49669389-G-A.
Other names: c.184G>A, p.Asp62Asn (NM_001195227.2, NM_001321281.2); c.-1189G>A (NM_001321282.2); c.-74-2128G>A (NM_001321283.2); c.-237-2421G>A (NM_001321285.2); short protein forms D62N.
Identifiers: ClinVar variation 1390832 (VCV001390832.12), dbSNP rs747048335, ClinGen allele CA9568711.
Genomic context (GRCh38, chr19:49,166,132, plus strand): 5'-ACCGCCCACCCCGCAGTGGCCATGGAGGATGCCTTCGGGGCAGCCGTGGTGACCGTGTGG[G>A]ACAGCGATGCACACACCACGGAGAAGCCCACCGATGCCTACGGAGAGCTGGACTTCACGG-3'
Protein context (NP_060106.2, residues 52-72): AFGAAVVTVW[Asp62Asn]SDAHTTEKPT